The following is an entry in ClinVar:

ClinVar aggregate classification (germline): Uncertain significance. Review status: criteria provided, multiple submitters, no conflicts (2 of 4 stars). 2 submissions from 2 submitters: Uncertain significance (2). Last evaluated 2023-12-23.

Conditions:
Birt-Hogg-Dube syndrome. Also called: Birt Hogg Dubé syndrome. Identifiers: Orphanet 122, MedGen C0346010, MONDO:0800444.
Hereditary cancer-predisposing syndrome. Also called: Hereditary Cancer Syndrome; Neoplastic Syndromes, Hereditary; Hereditary neoplastic syndrome; Tumor predisposition. Identifiers: Orphanet 140162, MedGen C0027672, MeSH D009386, MONDO:0015356.

Submissions (2):

Labcorp Genetics (formerly Invitae), Labcorp
Classification: Uncertain significance for Birt-Hogg-Dube syndrome. Last evaluated: 2023-12-23. Review status: criteria provided, single submitter. Criteria: Invitae Variant Classification Sherloc (09022015). Collection method: clinical testing. Allele origin: germline.
Comment: This sequence change creates a premature translational stop signal (p.Pro572Glyfs*2) in the FLCN gene. While this is not anticipated to result in nonsense mediated decay, it is expected to disrupt the last 8 amino acid(s) of the FLCN protein. This variant is not present in population databases (gnomAD no frequency). This variant has not been reported in the literature in individuals affected with FLCN-related conditions. ClinVar contains an entry for this variant (Variation ID: 2131850). Experimental studies and prediction algorithms are not available or were not evaluated, and the functional significance of this variant is currently unknown. In summary, the available evidence is currently insufficient to determine the role of this variant in disease. Therefore, it has been classified as a Variant of Uncertain Significance.

Ambry Genetics
Classification: Uncertain significance for Hereditary cancer-predisposing syndrome. Last evaluated: 2023-05-19. Review status: criteria provided, single submitter. Criteria: Ambry Variant Classification Scheme 2023. Collection method: clinical testing. Allele origin: germline.
Comment: The c.1654_1709dup56 variant, located in coding exon 11 of the FLCN gene, results from a duplication of 56 nucleotides from positions 1654 to 1709, causing a translational frameshift with a predicted alternate stop codon (p.P572Gfs*2). This alteration occurs at the 3' terminus of the FLCN gene, is not expected to trigger nonsense-mediated mRNA decay, and only impacts the last 8 amino acids of the protein. The exact functional effect of this alteration is unknown. Since supporting evidence is limited at this time, the clinical significance of this alteration remains unclear.

NM_144997.7(FLCN):c.1654_1709dup (p.Ser571_Pro572insGlyTerSer)

Gene: FLCN (folliculin; minus strand). Cytogenetic location: 17p11.2.
Variant type: Duplication.
Coding change: c.1654_1709dup on transcript NM_144997.7 (MANE Select); coding-DNA positions 1654 to 1709, 56 bases duplicated.
Protein change: p.Ser571_Pro572insGlyTerSer.
Molecular consequence: nonsense, inframe insertion.
Genome position (GRCh38, 1-based): chr17:17,213,686-17,213,741, 56 bases duplicated. GRCh37 (hg19): chr17:17,117,001-17,117,056.
Other names: c.1654_1709dupTTCTGGATGACTGGCCTGAGCAAGACCTACAAGTCACACCTCATGTCCACGGTCCG (NM_144997.5); c.1654_1709dup, p.Ser571_Pro572insGlyTerSer (NM_001353231.2, NM_001353230.2); c.1708_1763dup, p.Ser589_Pro590insGlyTerSer (NM_001353229.2).
Identifiers: ClinVar variation 2131850 (VCV002131850.6), dbSNP rs2544121525, ClinGen allele CA2580092680.